The following is an entry in ClinVar:

NM_015135.3(NUP205):c.3039A>T (p.Lys1013Asn)

Gene: NUP205 (nucleoporin 205; plus strand). Cytogenetic location: 7q33.
Variant type: single nucleotide variant.
Coding change: c.3039A>T on transcript NM_015135.3 (MANE Select); coding-DNA position 3039, A replaced by T.
Protein change: p.Lys1013Asn; replaces lysine 1013 with asparagine.
Molecular consequence: missense variant.
Genome position (GRCh38, 1-based): chr7:135,606,884, A>T. VCF-style: chr7-135606884-A-T. GRCh37 (hg19) VCF-style: chr7-135291632-A-T.
Other names: c.1965A>T, p.Lys655Asn (NM_001329434.2); short protein forms K1013N, K655N.
Identifiers: ClinVar variation 1636149 (VCV001636149.30), dbSNP rs199914185, ClinGen allele CA4498495.
Genomic context (GRCh38, chr7:135,606,884, plus strand): 5'-CTCTCTGGAATGCAATCCACCCAATCTTGCTCTCTACCTGTTGGGCTTTGAATTGAAAAA[A>T]CCTGTCAGTACTACAAACCTACAAGATCCAGGTATAGCCTAAGACATAAAGGCATTTCTT-3'
Protein context (NP_055950.2, residues 1003-1023): ALYLLGFELK[Lys1013Asn]PVSTTNLQDP

ClinVar aggregate classification (germline): Benign. Review status: criteria provided, multiple submitters, no conflicts (2 of 4 stars). 3 submissions from 3 submitters: Benign (3). Last evaluated 2026-08-01.

Allele frequency attached by ClinVar (database versions not stated): gnomAD 0.00013 and 0.00052; TOPMed 0.00017; gnomAD exomes 0.00086 and 0.00173; ExAC 0.00204; 1000 Genomes Project 30x 0.00359; 1000 Genomes Project 0.00379.
gnomAD v4.1: 1,351 of 1,614,016 alleles (0.084%); highest among the groups gnomAD compares: South Asian, 1.2%; 18 homozygotes.

Submissions (3):

CeGaT Center for Human Genetics Tuebingen
Classification: Benign. Last evaluated: 2026-08-01. Review status: criteria provided, single submitter. Criteria: CeGaT Center For Human Genetics Tuebingen Variant Classification Criteria Version 2. Collection method: clinical testing. Allele origin: germline. Affected: yes. Observed: 2 variant alleles.
Comment: NUP205: BS1, BS2

Labcorp Genetics (formerly Invitae), Labcorp
Classification: Benign. Last evaluated: 2025-11-15. Review status: criteria provided, single submitter. Criteria: Invitae Variant Classification Sherloc (09022015). Collection method: clinical testing. Allele origin: germline.

Breakthrough Genomics
Classification: Benign. Review status: criteria provided, single submitter. Criteria: ACMG Guidelines, 2015. Collection method: not provided. Allele origin: germline. Inheritance: Autosomal recessive inheritance. Affected: yes.